The following is an entry in ClinVar:

NM_003470.3(USP7):c.1523G>A (p.Arg508Gln)

Gene: USP7 (ubiquitin specific peptidase 7; minus strand). Cytogenetic location: 16p13.2.
Variant type: single nucleotide variant.
Coding change: c.1523G>A on transcript NM_003470.3 (MANE Select); coding-DNA position 1523, G replaced by A.
Protein change: p.Arg508Gln; replaces arginine 508 with glutamine.
Molecular consequence: missense variant. On other transcripts: non-coding transcript variant (1).
Genome position (GRCh38, 1-based): chr16:8,905,237, C>T on the plus strand (G>A on the coding strand, the complement: USP7 is on the minus strand). VCF-style: chr16-8905237-C-T. GRCh37 (hg19) VCF-style: chr16-8999094-C-T.
Other names: c.1226G>A, p.Arg409Gln (NM_001286458.2); c.1349G>A, p.Arg450Gln (NM_001321858.2); c.1475G>A, p.Arg492Gln (NM_001286457.2); short protein forms R492Q, R409Q, R450Q, R508Q.
Identifiers: ClinVar variation 4765836 (VCV004765836.1).

ClinVar aggregate classification (germline): Uncertain significance (1 of 4 stars; one submission).

Submission:

Labcorp Genetics (formerly Invitae), Labcorp
Classification: Uncertain significance. Last evaluated: 2025-11-10. Review status: criteria provided, single submitter. Criteria: Invitae Variant Classification Sherloc (09022015). Collection method: clinical testing. Allele origin: germline.
Comment: This sequence change replaces arginine, which is basic and polar, with glutamine, which is neutral and polar, at codon 508 of the USP7 protein (p.Arg508Gln). This variant is not present in population databases (gnomAD no frequency). This variant has not been reported in the literature in individuals affected with USP7-related conditions. An algorithm developed to predict the effect of missense changes on protein structure and function (PolyPhen-2) suggests that this variant is likely to be disruptive. In summary, the available evidence is currently insufficient to determine the role of this variant in disease. Therefore, it has been classified as a Variant of Uncertain Significance.